The following is an entry in ClinVar:

NM_018646.6(TRPV6):c.668T>C (p.Ile223Thr)

Gene: TRPV6 (transient receptor potential cation channel subfamily V member 6; minus strand). Cytogenetic location: 7q34.
Variant type: single nucleotide variant.
Coding change: c.668T>C on transcript NM_018646.6 (MANE Select); coding-DNA position 668, T replaced by C.
Protein change: p.Ile223Thr; replaces isoleucine 223 with threonine.
Molecular consequence: missense variant.
Genome position (GRCh38, 1-based): chr7:142,876,777, A>G on the plus strand (T>C on the coding strand, the complement: TRPV6 is on the minus strand). VCF-style: chr7-142876777-A-G. GRCh37 (hg19) VCF-style: chr7-142574530-A-G.
Other names: short protein forms I223T.
Identifiers: ClinVar variation 590766 (VCV000590766.10), dbSNP rs529924080, ClinGen allele CA4532785.

ClinVar aggregate classification (germline): Conflicting classifications of pathogenicity. Review status: criteria provided, conflicting classifications (1 of 4 stars). 7 submissions from 7 submitters: Pathogenic (1); Likely pathogenic (3); Uncertain significance (2). 1 of the submissions does not count toward it. Last evaluated 2026-03-11.

Conditions:
TRPV6-related disorder. Also called: TRPV6-related condition.
Hyperparathyroidism, transient neonatal. Identifiers: MedGen C1300287, MONDO:0032591, OMIM 618188.

Allele frequency attached by ClinVar (database versions not stated): gnomAD 0.00006; gnomAD exomes 0.00007 and 0.00014; TOPMed 0.00007; 1000 Genomes Project 30x 0.00016; ExAC 0.00019; 1000 Genomes Project 0.00020.

Submissions (7):

PreventionGenetics, part of Exact Sciences
Classification: Uncertain significance for TRPV6-related condition. Last evaluated: 2026-03-11. Review status: criteria provided, single submitter. Criteria: ACMG Guidelines, 2015. Collection method: clinical testing. Allele origin: germline.
Comment: The TRPV6 c.668T>C variant is predicted to result in the amino acid substitution p.Ile223Thr. This variant has been reported in the coupound heterozygous state in an individual with transient neonatal hyperparathyroidism (Suzuki et al. 2018. PubMed ID: 29861107; Yamashita et al. 2019. PubMed ID: 30820485). This variant has also been reported in the heterozygous state in multiple individuals with idiopathic chronic pancreatitis (CP), and was overrepresented in individuals with CP compared to controls according to one study (Masamune et al. 2020. PubMed ID: 31930989; Zou et al. 2020. PubMed ID: 32383311; Hirai et al. 2023. PubMed ID: 36599151). In vitro experimental studies regarding the impact of this variant on protein function are inconclusive (Suzuki et al. 2018. PubMed ID: 29861107; Masamune et al. 2020. PubMed ID: 31930989; Zou et al. 2020. PubMed ID: 32383311). This variant is reported in 0.17% of alleles in individuals of East Asian descent in gnomAD. At this time, the clinical significance of this variant is uncertain due to the absence of conclusive functional and genetic evidence.

First Genomix Gene Laboratory, Genetic Diagnostics Department
Classification: Likely pathogenic for Hyperparathyroidism, transient neonatal. Last evaluated: 2025-12-28. Review status: criteria provided, single submitter. Criteria: ACMG Guidelines, 2015. Collection method: clinical testing. Allele origin: germline. Inheritance: Autosomal recessive inheritance. Affected: no. Observed: 1 variant allele.

Labcorp Genetics (formerly Invitae), Labcorp
Classification: Uncertain significance. Last evaluated: 2025-10-24. Review status: criteria provided, single submitter. Criteria: Invitae Variant Classification Sherloc (09022015). Collection method: clinical testing. Allele origin: germline.
Comment: This sequence change replaces isoleucine, which is neutral and non-polar, with threonine, which is neutral and polar, at codon 223 of the TRPV6 protein (p.Ile223Thr). This variant is present in population databases (rs529924080, gnomAD 0.2%). This missense change has been observed in individuals with chronic pancreatitis and/or transient neonatal hyperparathyroidism (PMID: 29861107, 30820485, 31930989, 32383311, 36599151). ClinVar contains an entry for this variant (Variation ID: 590766). Algorithms developed to predict the effect of variants on gene product structure and function are not available or were not evaluated for this variant. Experimental studies are conflicting or provide insufficient evidence to determine the effect of this variant on TRPV6 function (PMID: 29861107, 31930989, 32383311). In summary, the available evidence is currently insufficient to determine the role of this variant in disease. Therefore, it has been classified as a Variant of Uncertain Significance.

Dasa
Classification: Likely pathogenic. Last evaluated: 2025-02-02. Review status: criteria provided, single submitter. Criteria: DASA Assertion Criteria. Collection method: clinical testing. Allele origin: germline.
Comment: NM_018646.6(TRPV6):c.668T>C (p.Ile223Thr) is a missense variant that results in the substitution of isoleucine with threonine. The affected residue or protein region has prior evidence supporting clinical relevance. Segregation data support an association with disease in the reported family/families (PMID: 30820485). This variant has been reported in individuals with TRPV6-related disorders (PMID: 29861107). Also, this variant is rare in population databases. Based on the currently available evidence, this variant is classified as likely pathogenic.

Mendelics
Classification: Pathogenic for Hyperparathyroidism, transient neonatal. Last evaluated: 2022-05-04. Review status: criteria provided, single submitter. Criteria: Mendelics Assertion Criteria 2019. Collection method: clinical testing. Allele origin: germline.

SIB Swiss Institute of Bioinformatics
Classification: Likely pathogenic for Hyperparathyroidism, transient neonatal. Last evaluated: 2019-05-21. Review status: criteria provided, single submitter. Criteria: ACMG Guidelines, 2015. Collection method: curation. Allele origin: unknown.
Comment: This variant is interpreted as a Likely pathogenic for Hyperparathyroidism, transient neonatal, autosomal recessive. The following ACMG Tag(s) were applied: PM2-Supporting; PP3; PS3-Supporting; PP1; PM3.

OMIM
Classification: Pathogenic for HYPERPARATHYROIDISM, TRANSIENT NEONATAL. Last evaluated: 2018-11-14. Review status: no assertion criteria provided. Collection method: literature only. Allele origin: germline. Not counted in ClinVar's aggregate classification.

Literature cited by the submitters: PubMed 29861107 (cited by 4 submitters); PubMed 30820485 (cited by 3 submitters); PubMed 31930989 (cited by Labcorp Genetics (formerly Invitae), Labcorp); PubMed 32383311 (cited by Labcorp Genetics (formerly Invitae), Labcorp); PubMed 36599151 (cited by Labcorp Genetics (formerly Invitae), Labcorp); PubMed 32646367 (cited by Dasa).